The following is an entry in ClinVar:

ClinVar aggregate classification (germline): Conflicting classifications of pathogenicity. Review status: criteria provided, conflicting classifications (1 of 4 stars). 3 submissions from 3 submitters: Likely pathogenic (2); Uncertain significance (1). Last evaluated 2026-05-21.

Conditions:
Autosomal dominant hypocalcemia 2. Identifiers: Orphanet 2238, Orphanet 428, MedGen C3809243, MONDO:0014146, OMIM 615361.
Familial hypocalciuric hypercalcemia 2. Also called: FAMILIAL BENIGN HYPERCALCEMIA, TYPE II; Hypocalciuric hypercalcemia, familial, type II; Hypocalciuric hypercalcemia, type II. Identifiers: Orphanet 101049, Orphanet 405, MedGen C1840347, MONDO:0007792, OMIM 145981.
GNA11-related disorder. Also called: GNA11-related condition.

Submissions (3):

PreventionGenetics, part of Exact Sciences
Classification: Uncertain significance for GNA11-related condition. Last evaluated: 2026-05-21. Review status: criteria provided, single submitter. Criteria: ACMG Guidelines, 2015. Collection method: clinical testing. Allele origin: germline.
Comment: The GNA11 c.446G>A variant is predicted to result in the amino acid substitution p.Arg149His. This variant has been reported in a family with autosomal dominant hypocalcemia, and functional studies suggest it results in a gain of function (Gorvin et al. 2020. PubMed ID: 31820785). This variant has not been reported in a large population database (gnomAD), indicating this variant is rare. Although we suspect that this variant may be pathogenic, the clinical significance of this variant is uncertain at this time due to the absence of conclusive functional and genetic evidence.

Dasa
Classification: Likely pathogenic. Last evaluated: 2026-04-16. Review status: criteria provided, single submitter. Criteria: DASA Assertion Criteria. Collection method: clinical testing. Allele origin: germline.
Comment: NM_002067.5(GNA11):c.446G>A (p.Arg149His) is a missense variant that results in the substitution of arginine with histidine. Functional evidence supports an impact on the gene or gene product (PMID: 36970776; PMID: 31820785). Also, this variant is rare in population databases. Computational evidence supports a deleterious effect. Based on the currently available evidence, this variant is classified as likely pathogenic.

Fulgent Genetics
Classification: Likely pathogenic for Familial hypocalciuric hypercalcemia 2; Autosomal dominant hypocalcemia 2. Last evaluated: 2024-06-12. Review status: criteria provided, single submitter. Criteria: ACMG Guidelines, 2015. Collection method: clinical testing. Allele origin: germline.

Literature cited by the submitters: PubMed 36970776 (cited by Dasa); PubMed 31820785 (cited by Dasa).

NM_002067.5(GNA11):c.446G>A (p.Arg149His)

Gene: GNA11 (G protein subunit alpha 11; plus strand). Cytogenetic location: 19p13.3.
Variant type: single nucleotide variant.
Coding change: c.446G>A on transcript NM_002067.5 (MANE Select); coding-DNA position 446, G replaced by A.
Protein change: p.Arg149His; replaces arginine 149 with histidine.
Molecular consequence: missense variant.
Genome position (GRCh38, 1-based): chr19:3,113,454, G>A. VCF-style: chr19-3113454-G-A. GRCh37 (hg19) VCF-style: chr19-3113452-G-A.
Other names: c.446G>A (NM_002067.4); short protein forms R149H.
Identifiers: ClinVar variation 3583562 (VCV003583562.4).